The following is an entry in ClinVar:

NM_032043.3(BRIP1):c.2258-6T>C

Gene: BRIP1 (BRCA1 interacting DNA helicase 1; minus strand). Cytogenetic location: 17q23.2.
Variant type: single nucleotide variant.
Coding change: c.2258-6T>C on transcript NM_032043.3 (MANE Select); 6 bases into the intron before coding-DNA position 2258, T replaced by C.
Molecular consequence: intron variant.
Genome position (GRCh38, 1-based): chr17:61,743,140, A>G on the plus strand (T>C on the coding strand, the complement: BRIP1 is on the minus strand). VCF-style: chr17-61743140-A-G. GRCh37 (hg19) VCF-style: chr17-59820501-A-G.
Identifiers: ClinVar variation 949483 (VCV000949483.11), dbSNP rs2077009706, ClinGen allele CA1139665772.

ClinVar aggregate classification (germline): Likely benign. Review status: criteria provided, multiple submitters, no conflicts (2 of 4 stars). 2 submissions from 2 submitters: Likely benign (2). Last evaluated 2024-09-04.

Conditions:
Familial cancer of breast. Also called: Hereditary breast cancer; hereditary breast carcinoma; BREAST CANCER, FAMILIAL. Identifiers: Orphanet 227535, MedGen C0346153, MONDO:0016419, OMIM 114480. Disease mechanism: loss of function.
Fanconi anemia complementation group J. Also called: BRIP1-Related Fanconi Anemia. Identifiers: Orphanet 84, MedGen C1836860, MONDO:0012187, OMIM 609054.

Allele frequency attached by ClinVar (database versions not stated): gnomAD exomes below 0.00001.
gnomAD v4.1: 1 of 1,613,910 alleles (0.000062%); highest among the groups gnomAD compares: Non-Finnish European, 0.000085%; no homozygotes.

Submissions (2):

Myriad Genetics, Inc.
Classification: Likely benign for Familial cancer of breast. Last evaluated: 2024-09-04. Review status: criteria provided, single submitter. Criteria: Myriad Autosomal Dominant, Autosomal Recessive and X-Linked Classification Criteria (2023). Collection method: clinical testing. Allele origin: unknown.
Comment: This variant is considered likely benign. This variant is intronic and is not expected to impact mRNA splicing.

Labcorp Genetics (formerly Invitae), Labcorp
Classification: Likely benign for Familial cancer of breast; Fanconi anemia complementation group J. Last evaluated: 2023-08-24. Review status: criteria provided, single submitter. Criteria: Invitae Variant Classification Sherloc (09022015). Collection method: clinical testing. Allele origin: germline.